The following is an entry in ClinVar:

ClinVar aggregate classification (germline): Likely benign (0 of 4 stars; one submission).

Conditions:
SEMA3B-related disorder. Also called: SEMA3B-related condition.

Submission:

PreventionGenetics, part of Exact Sciences
Classification: Likely benign for SEMA3B-related condition. Last evaluated: 2022-06-07. Review status: no assertion criteria provided. Collection method: clinical testing. Allele origin: germline.
Comment: This variant is classified as likely benign based on ACMG/AMP sequence variant interpretation guidelines (Richards et al. 2015 PMID: 25741868, with internal and published modifications).

NM_001290060.2(SEMA3B):c.147G>A (p.Leu49=)

Gene: SEMA3B (semaphorin 3B; plus strand). Cytogenetic location: 3p21.31.
Variant type: single nucleotide variant.
Coding change: c.147G>A on transcript NM_001290060.2 (MANE Select); coding-DNA position 147, G replaced by A.
Protein change: p.Leu49=; no amino-acid change (leucine 49 retained).
Molecular consequence: synonymous variant.
Genome position (GRCh38, 1-based): chr3:50,270,164, G>A. VCF-style: chr3-50270164-G-A. GRCh37 (hg19) VCF-style: chr3-50307595-G-A.
Other names: c.147G>A, p.Leu49= (NM_001290061.1, NM_004636.4, NM_001005914.3).
Identifiers: ClinVar variation 3354872 (VCV003354872.1).